The following is an entry in ClinVar:

NM_005994.4(TBX2):c.595T>C (p.Trp199Arg)

Gene: TBX2 (T-box transcription factor 2; plus strand). Cytogenetic location: 17q23.2.
Variant type: single nucleotide variant.
Coding change: c.595T>C on transcript NM_005994.4 (MANE Select); coding-DNA position 595, T replaced by C.
Protein change: p.Trp199Arg; replaces tryptophan 199 with arginine.
Molecular consequence: missense variant.
Genome position (GRCh38, 1-based): chr17:61,401,883, T>C. VCF-style: chr17-61401883-T-C. GRCh37 (hg19) VCF-style: chr17-59479244-T-C.
Other names: short protein forms W199R.
Identifiers: ClinVar variation 4855582 (VCV004855582.1).

ClinVar aggregate classification (germline): Uncertain significance (1 of 4 stars; one submission).

Conditions:
Vertebral anomalies and variable endocrine and T-cell dysfunction. Identifiers: MedGen C4748741, MONDO:0032607, OMIM 618223.

Submission:

3billion
Classification: Uncertain significance for Vertebral anomalies and variable endocrine and T-cell dysfunction. Last evaluated: 2025-11-23. Review status: criteria provided, single submitter. Criteria: ACMG Guidelines, 2015. Collection method: clinical testing. Allele origin: germline. Affected: yes.
Comment: The variant is not observed in the gnomAD v4.1.0 dataset. Predicted Consequence/Location: Missense variant. Missense changes are a common disease-causing mechanism. In silico tool predictions suggest damaging effect of the variant on gene or gene product [REVEL: 0.89 (>=0.6, sensitivity 0.68 and specificity 0.92); 3Cnet: 0.15 (> 0.75, sensitivity 0.96 and precision 0.92)]. Therefore, this variant is classified as VUS according to the recommendation of ACMG/AMP guideline.